The following is an entry in ClinVar:

NM_032977.4(CASP10):c.1031C>T (p.Ala344Val)

Gene: CASP10 (caspase 10; plus strand). Cytogenetic location: 2q33.1.
Variant type: single nucleotide variant.
Coding change: c.1031C>T on transcript NM_032977.4 (MANE Select); coding-DNA position 1031, C replaced by T.
Protein change: p.Ala344Val; replaces alanine 344 with valine.
Molecular consequence: missense variant. On other transcripts: 3 prime UTR variant (1).
Genome position (GRCh38, 1-based): chr2:201,209,178, C>T. VCF-style: chr2-201209178-C-T. GRCh37 (hg19) VCF-style: chr2-202073901-C-T.
Other names: c.830C>T, p.Ala277Val (NM_001206524.2); c.902C>T, p.Ala301Val (NM_001206542.2, NM_001230.5); c.1031C>T, p.Ala344Val (NM_032974.5); c.*117C>T (NM_032976.4); short protein forms A344V, A277V, A301V.
Identifiers: ClinVar variation 1445411 (VCV001445411.9), dbSNP rs1945312703, ClinGen allele CA350289237.
Genomic context (GRCh38, chr2:201,209,178, plus strand): 5'-ACAATAATGTGACGAAAGTGGAAATGGAGATGGTCCTGCAGAAGCAGAAGTGCAATCCAG[C>T]CCATGCCGACGGGGACTGCTTCGTGTTCTGTATTCTGACCCATGGGAGATTTGGAGCTGT-3'
Protein context (NP_116759.2, residues 334-354): MVLQKQKCNP[Ala344Val]HADGDCFVFC

ClinVar aggregate classification (germline): Uncertain significance (1 of 4 stars; one submission).

Conditions:
Autoimmune lymphoproliferative syndrome type 2A (ALPS2A). Also called: AUTOIMMUNE LYMPHOPROLIFERATIVE SYNDROME, TYPE IIA; Autoimmune lymphoproliferative syndrome type 2; CASP10-Related Autoimmune Lymphoproliferative Syndrome. Identifiers: Orphanet 3261, MedGen C1858968, MONDO:0011383, OMIM 603909.

Allele frequency attached by ClinVar (database versions not stated): gnomAD exomes below 0.00001; TOPMed 0.00002.
gnomAD v4.1: 5 of 1,612,716 alleles (0.00031%); highest among the groups gnomAD compares: Non-Finnish European, 0.00034%; no homozygotes.

Submission:

Labcorp Genetics (formerly Invitae), Labcorp
Classification: Uncertain significance for Autoimmune lymphoproliferative syndrome type 2A. Last evaluated: 2022-04-04. Review status: criteria provided, single submitter. Criteria: Invitae Variant Classification Sherloc (09022015). Collection method: clinical testing. Allele origin: germline.
Comment: In summary, the available evidence is currently insufficient to determine the role of this variant in disease. Therefore, it has been classified as a Variant of Uncertain Significance. This sequence change replaces alanine, which is neutral and non-polar, with valine, which is neutral and non-polar, at codon 344 of the CASP10 protein (p.Ala344Val). This variant is not present in population databases (gnomAD no frequency). This variant has not been reported in the literature in individuals affected with CASP10-related conditions. Algorithms developed to predict the effect of missense changes on protein structure and function (SIFT, PolyPhen-2, Align-GVGD) all suggest that this variant is likely to be tolerated.